The following is an entry in ClinVar:

NM_020911.2(PLXNA4):c.4156G>A (p.Val1386Met)

Gene: PLXNA4 (plexin A4; minus strand). Cytogenetic location: 7q32.3.
Variant type: single nucleotide variant.
Coding change: c.4156G>A on transcript NM_020911.2 (MANE Select); coding-DNA position 4156, G replaced by A.
Protein change: p.Val1386Met; replaces valine 1386 with methionine.
Molecular consequence: missense variant.
Genome position (GRCh38, 1-based): chr7:132,168,434, C>T on the plus strand (G>A on the coding strand, the complement: PLXNA4 is on the minus strand). VCF-style: chr7-132168434-C-T. GRCh37 (hg19) VCF-style: chr7-131853193-C-T.
Other names: c.4156G>A, p.Val1386Met (NM_001393897.1); short protein forms V1386M.
Identifiers: ClinVar variation 2635777 (VCV002635777.1), dbSNP rs752343164, ClinGen allele CA4489265.

ClinVar aggregate classification (germline): Uncertain significance (1 of 4 stars; one submission).

Conditions:
PLXNA4-related disorder. Also called: PLXNA4-related condition.

Allele frequency attached by ClinVar (database versions not stated): TOPMed below 0.00001; ExAC 0.00001; gnomAD 0.00001; gnomAD exomes 0.00001.
gnomAD v4.1: 15 of 1,613,998 alleles (0.00093%); highest among the groups gnomAD compares: East Asian, 0.0022%; no homozygotes.

Submission:

PreventionGenetics, part of Exact Sciences
Classification: Uncertain significance for PLXNA4-related condition. Last evaluated: 2023-07-15. Review status: criteria provided, single submitter. Criteria: ACMG Guidelines, 2015. Collection method: clinical testing. Allele origin: germline.
Comment: The PLXNA4 c.4156G>A variant is predicted to result in the amino acid substitution p.Val1386Met. To our knowledge, this variant has not been reported in the literature. This variant is reported in 0.00088% of alleles in individuals of European (Non-Finnish) descent in gnomAD. At this time, the clinical significance of this variant is uncertain due to the absence of conclusive functional and genetic evidence.